The following is an entry in ClinVar:

NM_006939.4(SOS2):c.2137G>C (p.Glu713Gln)

Gene: SOS2 (SOS Ras/Rho guanine nucleotide exchange factor 2; minus strand). Cytogenetic location: 14q21.3.
Variant type: single nucleotide variant.
Coding change: c.2137G>C on transcript NM_006939.4 (MANE Select); coding-DNA position 2137, G replaced by C.
Protein change: p.Glu713Gln; replaces glutamic acid 713 with glutamine.
Molecular consequence: missense variant.
Genome position (GRCh38, 1-based): chr14:50,153,094, C>G on the plus strand (G>C on the coding strand, the complement: SOS2 is on the minus strand). VCF-style: chr14-50153094-C-G. GRCh37 (hg19) VCF-style: chr14-50619812-C-G.
Other names: c.2137G>C (NM_006939.3); short protein forms E713Q.
Identifiers: ClinVar variation 761390 (VCV000761390.12), dbSNP rs534384816, ClinGen allele CA7177123.

ClinVar aggregate classification (germline): Likely benign. Review status: criteria provided, multiple submitters, no conflicts (2 of 4 stars). 3 submissions from 3 submitters: Likely benign (3). Last evaluated 2025-12-19.

Conditions:
SOS2-related disorder. Also called: SOS2-related condition.
Cardiovascular phenotype. Identifiers: MedGen CN230736.
Noonan syndrome 9 (NS9). Identifiers: Orphanet 648, MedGen C4225282, MONDO:0014691, OMIM 616559.

Allele frequency attached by ClinVar (database versions not stated): gnomAD below 0.00001 and 0.00006; TOPMed 0.00001; gnomAD exomes 0.00005 and 0.00012; ExAC 0.00017; 1000 Genomes Project 0.00080; 1000 Genomes Project 30x 0.00094.
gnomAD v4.1: 82 of 1,585,688 alleles (0.0052%); highest among the groups gnomAD compares: South Asian, 0.084%; 1 homozygote.

Submissions (3):

PreventionGenetics, part of Exact Sciences
Classification: Likely benign for SOS2-related condition. Last evaluated: 2025-12-19. Review status: criteria provided, single submitter. Criteria: ACMG Guidelines, 2015. Collection method: clinical testing. Allele origin: germline.
Comment: This variant is classified as likely benign based on ACMG/AMP sequence variant interpretation guidelines (Richards et al. 2015 PMID: 25741868, with internal and published modifications).

Labcorp Genetics (formerly Invitae), Labcorp
Classification: Likely benign for Noonan syndrome 9. Last evaluated: 2025-09-17. Review status: criteria provided, single submitter. Criteria: Invitae Variant Classification Sherloc (09022015). Collection method: clinical testing. Allele origin: germline.

Ambry Genetics
Classification: Likely benign for Cardiovascular phenotype. Last evaluated: 2023-10-15. Review status: criteria provided, single submitter. Criteria: Ambry Variant Classification Scheme 2023. Collection method: clinical testing. Allele origin: germline.